The following is an entry in ClinVar:

ClinVar aggregate classification (germline): Uncertain significance (1 of 4 stars; one submission).

Allele frequency attached by ClinVar (database versions not stated): TOPMed below 0.00001; ExAC 0.00001.
gnomAD v4.1: 16 of 1,613,648 alleles (0.00099%); highest among the groups gnomAD compares: South Asian, 0.0022%; no homozygotes.

Submission:

Labcorp Genetics (formerly Invitae), Labcorp
Classification: Uncertain significance. Last evaluated: 2022-10-13. Review status: criteria provided, single submitter. Criteria: Invitae Variant Classification Sherloc (09022015). Collection method: clinical testing. Allele origin: germline.
Comment: This sequence change replaces arginine, which is basic and polar, with tryptophan, which is neutral and slightly polar, at codon 3192 of the LRP2 protein (p.Arg3192Trp). This variant is present in population databases (rs761574622, gnomAD 0.003%). This variant has not been reported in the literature in individuals affected with LRP2-related conditions. Advanced modeling of protein sequence and biophysical properties (such as structural, functional, and spatial information, amino acid conservation, physicochemical variation, residue mobility, and thermodynamic stability) performed at Invitae indicates that this missense variant is not expected to disrupt LRP2 protein function. In summary, the available evidence is currently insufficient to determine the role of this variant in disease. Therefore, it has been classified as a Variant of Uncertain Significance.

NM_004525.3(LRP2):c.9574C>T (p.Arg3192Trp)

Gene: LRP2 (LDL receptor related protein 2; minus strand). Cytogenetic location: 2q31.1.
Variant type: single nucleotide variant.
Coding change: c.9574C>T on transcript NM_004525.3 (MANE Select); coding-DNA position 9574, C replaced by T.
Protein change: p.Arg3192Trp; replaces arginine 3192 with tryptophan.
Molecular consequence: missense variant.
Genome position (GRCh38, 1-based): chr2:169,185,774, G>A on the plus strand (C>T on the coding strand, the complement: LRP2 is on the minus strand). VCF-style: chr2-169185774-G-A. GRCh37 (hg19) VCF-style: chr2-170042284-G-A.
Other names: short protein forms R3192W.
Identifiers: ClinVar variation 2110007 (VCV002110007.1), dbSNP rs761574622, ClinGen allele CA1953549.
Genomic context (GRCh38, chr2:169,185,774, plus strand): 5'-AATTTCTCAAATAGTAACGGTTGCTAAAAATGAGATAGGGTTCGATGTTACTGTTTTGCC[G>A]GCAGGTCTTTCCATCTGGTTCTCGGAGGTAGCCTGGGGCACACTTACAGATGTAGGAGCC-3'
Protein context (NP_004516.2, residues 3182-3202): YLREPDGKTC[Arg3192Trp]QNSNIEPYLI